The following is an entry in ClinVar:

ClinVar aggregate classification (germline): Likely benign. Review status: criteria provided, single submitter (1 of 4 stars). 2 submissions from 2 submitters: Likely benign (1). 1 of the submissions does not count toward it. Last evaluated 2025-12-11.

Conditions:
ITGB4-related disorder. Also called: ITGB4-related condition.

Allele frequency attached by ClinVar (database versions not stated): ExAC 0.00007; gnomAD 0.00002; gnomAD exomes 0.00002; TOPMed 0.00003.
gnomAD v4.1: 36 of 1,613,940 alleles (0.0022%); highest among the groups gnomAD compares: South Asian, 0.014%; no homozygotes.

Submissions (2):

Labcorp Genetics (formerly Invitae), Labcorp
Classification: Likely benign. Last evaluated: 2025-12-11. Review status: criteria provided, single submitter. Criteria: Invitae Variant Classification Sherloc (09022015). Collection method: clinical testing. Allele origin: germline.

PreventionGenetics, part of Exact Sciences
Classification: Likely benign for ITGB4-related condition. Last evaluated: 2019-08-21. Review status: no assertion criteria provided. Collection method: clinical testing. Allele origin: germline. Not counted in ClinVar's aggregate classification.
Comment: This variant is classified as likely benign based on ACMG/AMP sequence variant interpretation guidelines (Richards et al. 2015 PMID: 25741868, with internal and published modifications).

NM_000213.5(ITGB4):c.231C>T (p.Ile77=)

Gene: ITGB4 (integrin subunit beta 4; plus strand). Cytogenetic location: 17q25.1.
Variant type: single nucleotide variant.
Coding change: c.231C>T on transcript NM_000213.5 (MANE Select); coding-DNA position 231, C replaced by T.
Protein change: p.Ile77=; no amino-acid change (isoleucine 77 retained).
Molecular consequence: synonymous variant.
Genome position (GRCh38, 1-based): chr17:75,727,472, C>T. VCF-style: chr17-75727472-C-T. GRCh37 (hg19) VCF-style: chr17-73723553-C-T.
Other names: c.231C>T, p.Ile77= (NM_001005619.2, NM_001005731.3, NM_001321123.2).
Identifiers: ClinVar variation 2886727 (VCV002886727.5), dbSNP rs762732702, ClinGen allele CA8768603.